The following is an entry in ClinVar:

ClinVar aggregate classification (germline): Likely pathogenic (1 of 4 stars; one submission).

Allele frequency attached by ClinVar (database versions not stated): gnomAD 0.00001.
gnomAD v4.1: 2 of 1,613,992 alleles (0.00012%); highest among the groups gnomAD compares: African/African-American, 0.0013%; no homozygotes.

Submission:

Labcorp Genetics (formerly Invitae), Labcorp
Classification: Likely pathogenic. Last evaluated: 2023-11-24. Review status: criteria provided, single submitter. Criteria: Invitae Variant Classification Sherloc (09022015). Collection method: clinical testing. Allele origin: germline.
Comment: This sequence change affects an acceptor splice site in intron 6 of the LPL gene. It is expected to disrupt RNA splicing. Variants that disrupt the donor or acceptor splice site typically lead to a loss of protein function (PMID: 16199547), and loss-of-function variants in LPL are known to be pathogenic (PMID: 11334614). This variant is present in population databases (no rsID available, gnomAD 0.01%). This variant has not been reported in the literature in individuals affected with LPL-related conditions. Algorithms developed to predict the effect of sequence changes on RNA splicing suggest that this variant may disrupt the consensus splice site. In summary, the currently available evidence indicates that the variant is pathogenic, but additional data are needed to prove that conclusively. Therefore, this variant has been classified as Likely Pathogenic.

Literature cited by the submitters: PubMed 16199547; PubMed 11334614.

NM_000237.3(LPL):c.1019-1G>A

Gene: LPL (lipoprotein lipase; plus strand). Cytogenetic location: 8p21.3.
Variant type: single nucleotide variant.
Coding change: c.1019-1G>A on transcript NM_000237.3 (MANE Select); the canonical splice acceptor site of the intron before coding-DNA position 1019, G replaced by A.
Molecular consequence: splice acceptor variant.
Genome position (GRCh38, 1-based): chr8:19,959,259, G>A. VCF-style: chr8-19959259-G-A. GRCh37 (hg19) VCF-style: chr8-19816770-G-A.
Identifiers: ClinVar variation 2992733 (VCV002992733.3), dbSNP rs752378955, ClinGen allele CA370638250.